The following is an entry in ClinVar:

ClinVar aggregate classification (germline): Uncertain significance (1 of 4 stars; one submission).

Submission:

Women's Health and Genetics/Laboratory Corporation of America, LabCorp
Classification: Uncertain significance. Last evaluated: 2024-09-13. Review status: criteria provided, single submitter. Criteria: LabCorp Variant Classification Summary - May 2015. Collection method: clinical testing. Allele origin: germline.
Comment: Variant summary: CEP290 c.1834C>A (p.Leu612Ile) results in a conservative amino acid change in the encoded protein sequence. Three of five in-silico tools predict a damaging effect of the variant on protein function. The variant was absent in 177616 control chromosomes. The available data on variant occurrences in the general population are insufficient to allow any conclusion about variant significance. c.1834C>A has been reported in the literature in at least one compound heterozygous individual affected with Leber congenital amaurosis (e.g. Liu_2020). These data do not currently allow any conclusion about variant significance. To our knowledge, no experimental evidence demonstrating an impact on protein function has been reported. The following publication has been ascertained in the context of this evaluation (PMID: 33090715). No submitters have cited clinical-significance assessments for this variant to ClinVar. Based on the evidence outlined above, the variant was classified as uncertain significance.

Literature cited by the submitters: PubMed 33090715.

NM_025114.4(CEP290):c.1834C>A (p.Leu612Ile)

Gene: CEP290 (centrosomal protein 290; minus strand). Cytogenetic location: 12q21.32.
Variant type: single nucleotide variant.
Coding change: c.1834C>A on transcript NM_025114.4 (MANE Select); coding-DNA position 1834, C replaced by A.
Protein change: p.Leu612Ile; replaces leucine 612 with isoleucine.
Molecular consequence: missense variant.
Genome position (GRCh38, 1-based): chr12:88,115,173, G>T on the plus strand (C>A on the coding strand, the complement: CEP290 is on the minus strand). VCF-style: chr12-88115173-G-T. GRCh37 (hg19) VCF-style: chr12-88508950-G-T.
Other names: short protein forms L612I.
Identifiers: ClinVar variation 3374811 (VCV003374811.1).